The following is an entry in ClinVar:

ClinVar aggregate classification (germline): Benign/Likely benign. Review status: criteria provided, multiple submitters, no conflicts (2 of 4 stars). 8 submissions from 8 submitters: Benign (7); Likely benign (1). Last evaluated 2026-02-03.

Conditions:
Primary ciliary dyskinesia. Also called: Ciliary dyskinesia. Identifiers: Orphanet 244, MedGen C0008780, MONDO:0016575, HP:0012265.
Primary ciliary dyskinesia 11. Also called: CILIARY DYSKINESIA, PRIMARY, 11, WITHOUT SITUS INVERSUS. Identifiers: Orphanet 244, MedGen C2675229, MONDO:0012978, OMIM 612649.

Allele frequency attached by ClinVar (database versions not stated): 1000 Genomes Project 30x 0.03685; 1000 Genomes Project 0.03714; TOPMed 0.07547; gnomAD 0.07794 and 0.08023; ESP Exome Variant Server 0.09027.
gnomAD v4.1: 169,313 of 1,614,118 alleles (10%); highest among the groups gnomAD compares: Non-Finnish European, 12%; 10,134 homozygotes.

Submissions (8):

Labcorp Genetics (formerly Invitae), Labcorp
Classification: Benign for Primary ciliary dyskinesia. Last evaluated: 2026-02-03. Review status: criteria provided, single submitter. Criteria: Invitae Variant Classification Sherloc (09022015). Collection method: clinical testing. Allele origin: germline.

Blueprint Genetics
Classification: Likely benign. Last evaluated: 2024-11-26. Review status: criteria provided, single submitter. Criteria: ACMG Guidelines, 2015. Collection method: clinical testing. Allele origin: germline.

Mayo Clinic Laboratories, Mayo Clinic
Classification: Benign. Last evaluated: 2022-04-26. Review status: criteria provided, single submitter. Criteria: ACMG Guidelines, 2015. Collection method: clinical testing. Allele origin: germline. Observed: 40 variant alleles.

GeneDx
Classification: Benign. Last evaluated: 2019-01-13. Review status: criteria provided, single submitter. Criteria: GeneDx Variant Classification Process June 2021. Collection method: clinical testing. Allele origin: germline. Affected: yes.

Illumina Laboratory Services, Illumina
Classification: Benign for Primary ciliary dyskinesia 11. Last evaluated: 2018-01-12. Review status: criteria provided, single submitter. Criteria: ICSL Variant Classification Criteria 13 December 2019. Collection method: clinical testing. Allele origin: germline.
Comment: This variant was observed in the ICSL laboratory as part of a predisposition screen in an ostensibly healthy population. It had not been previously curated by ICSL or reported in the Human Gene Mutation Database (HGMD: prior to June 1st, 2018), and was therefore a candidate for classification through an automated scoring system. Utilizing variant allele frequency, disease prevalence and penetrance estimates, and inheritance mode, an automated score was calculated to assess if this variant is too frequent to cause the disease. Based on the score and internal cut-off values, a variant classified as benign is not then subjected to further curation. The score for this variant resulted in a classification of benign for this disease.

Ambry Genetics
Classification: Benign for Primary ciliary dyskinesia. Last evaluated: 2014-12-10. Review status: criteria provided, single submitter. Criteria: Ambry Variant Classification Scheme 2023. Collection method: clinical testing. Allele origin: germline.

Laboratory for Molecular Medicine, Mass General Brigham Personalized Medicine
Classification: Benign. Last evaluated: 2013-02-21. Review status: criteria provided, single submitter. Criteria: LMM Criteria. Collection method: clinical testing. Allele origin: germline. Observed: 20 variant alleles.
Comment: Thr149Ser in exon 1 of RSPH4A: This variant is not expected to have clinical sig nificance because it has been identified in 12.3% (1056/8600) of European Americ an chromosomes from a broad population by the NHLBI Exome Sequencing Project (dbSNP rs13213314).

PreventionGenetics, part of Exact Sciences
Classification: Benign. Review status: criteria provided, single submitter. Criteria: ACMG Guidelines, 2015. Collection method: clinical testing. Allele origin: germline.

NM_001010892.3(RSPH4A):c.446C>G (p.Thr149Ser)

Gene: RSPH4A (radial spoke head component 4A; plus strand). Cytogenetic location: 6q22.1.
Variant type: single nucleotide variant.
Coding change: c.446C>G on transcript NM_001010892.3 (MANE Select); coding-DNA position 446, C replaced by G.
Protein change: p.Thr149Ser; replaces threonine 149 with serine.
Molecular consequence: missense variant.
Genome position (GRCh38, 1-based): chr6:116,617,069, C>G. VCF-style: chr6-116617069-C-G. GRCh37 (hg19) VCF-style: chr6-116938232-C-G.
Other names: c.446C>G, p.Thr149Ser (NM_001161664.2); short protein forms T149S.
Identifiers: ClinVar variation 178799 (VCV000178799.27), dbSNP rs13213314, ClinGen allele CA183058.